The following is an entry in ClinVar:

NM_006755.2(TALDO1):c.850C>A (p.Leu284Met)

Gene: TALDO1 (transaldolase 1; plus strand). Cytogenetic location: 11p15.5.
Variant type: single nucleotide variant.
Coding change: c.850C>A on transcript NM_006755.2 (MANE Select); coding-DNA position 850, C replaced by A.
Protein change: p.Leu284Met; replaces leucine 284 with methionine.
Molecular consequence: missense variant.
Genome position (GRCh38, 1-based): chr11:764,302, C>A. VCF-style: chr11-764302-C-A. GRCh37 (hg19) VCF-style: chr11-764302-C-A.
Other names: c.850C>A (NM_006755.1); short protein forms L284M.
Identifiers: ClinVar variation 1985082 (VCV001985082.4), dbSNP rs1467085050, ClinGen allele CA378938137.

ClinVar aggregate classification (germline): Uncertain significance. Review status: criteria provided, multiple submitters, no conflicts (2 of 4 stars). 2 submissions from 2 submitters: Uncertain significance (2). Last evaluated 2024-05-02.

Conditions:
Inborn genetic diseases. Identifiers: MedGen C0950123, MeSH D030342.

Allele frequency attached by ClinVar (database versions not stated): gnomAD exomes 0.00001.

Submissions (2):

Ambry Genetics
Classification: Uncertain significance for Inborn genetic diseases. Last evaluated: 2024-05-02. Review status: criteria provided, single submitter. Criteria: Ambry Variant Classification Scheme 2023. Collection method: clinical testing. Allele origin: germline.

Labcorp Genetics (formerly Invitae), Labcorp
Classification: Uncertain significance. Last evaluated: 2022-11-01. Review status: criteria provided, single submitter. Criteria: Invitae Variant Classification Sherloc (09022015). Collection method: clinical testing. Allele origin: germline.
Comment: In summary, the available evidence is currently insufficient to determine the role of this variant in disease. Therefore, it has been classified as a Variant of Uncertain Significance. This sequence change replaces leucine, which is neutral and non-polar, with methionine, which is neutral and non-polar, at codon 284 of the TALDO1 protein (p.Leu284Met). This variant is present in population databases (no rsID available, gnomAD 0.01%). This variant has not been reported in the literature in individuals affected with TALDO1-related conditions. Advanced modeling of protein sequence and biophysical properties (such as structural, functional, and spatial information, amino acid conservation, physicochemical variation, residue mobility, and thermodynamic stability) performed at Invitae indicates that this missense variant is not expected to disrupt TALDO1 protein function.